The following is an entry in ClinVar:

ClinVar aggregate classification (germline): Benign/Likely benign. Review status: criteria provided, multiple submitters, no conflicts (2 of 4 stars). 6 submissions from 6 submitters: Benign (1); Likely benign (4). 1 of the submissions does not count toward it. Last evaluated 2026-01-25.

Conditions:
CTNNA1-related disorder. Also called: CTNNA1-related condition.
Hereditary cancer-predisposing syndrome. Also called: Neoplastic Syndromes, Hereditary; Hereditary neoplastic syndrome; Hereditary Cancer Syndrome; Tumor predisposition. Identifiers: Orphanet 140162, MedGen C0027672, MeSH D009386, MONDO:0015356.
Hereditary diffuse gastric adenocarcinoma (HDGC). Also called: DIFFUSE GASTRIC AND LOBULAR BREAST CANCER SYNDROME. Identifiers: Orphanet 26106, MedGen C1708349, MONDO:0007648, OMIM 137215.

Allele frequency attached by ClinVar (database versions not stated): ExAC 0.00001; gnomAD exomes 0.00002; TOPMed 0.00002; gnomAD 0.00003; ESP Exome Variant Server 0.00008.
gnomAD v4.1: 22 of 1,613,794 alleles (0.0014%); highest among the groups gnomAD compares: African/African-American, 0.011%; no homozygotes.

Submissions (6):

Labcorp Genetics (formerly Invitae), Labcorp
Classification: Likely benign. Last evaluated: 2026-01-25. Review status: criteria provided, single submitter. Criteria: Invitae Variant Classification Sherloc (09022015). Collection method: clinical testing. Allele origin: germline.

Center for Genomic Medicine, Rigshospitalet, Copenhagen University Hospital
Classification: Likely benign. Last evaluated: 2025-12-29. Review status: criteria provided, single submitter. Criteria: ACMG Guidelines, 2015. Collection method: clinical testing. Allele origin: germline.

Myriad Genetics, Inc.
Classification: Benign for Hereditary diffuse gastric adenocarcinoma. Last evaluated: 2024-10-14. Review status: criteria provided, single submitter. Criteria: Myriad Autosomal Dominant, Autosomal Recessive and X-Linked Classification Criteria (2023). Collection method: clinical testing. Allele origin: unknown.
Comment: This variant is considered benign. This variant is a silent/synonymous amino acid change and it is not expected to impact splicing.

Blueprint Genetics
Classification: Likely benign. Last evaluated: 2023-08-17. Review status: criteria provided, single submitter. Criteria: ACMG Guidelines, 2015. Collection method: clinical testing. Allele origin: germline.

Ambry Genetics
Classification: Likely benign for Hereditary cancer-predisposing syndrome. Last evaluated: 2021-06-10. Review status: criteria provided, single submitter. Criteria: Ambry Variant Classification Scheme 2023. Collection method: clinical testing. Allele origin: germline.

PreventionGenetics, part of Exact Sciences
Classification: Likely benign for CTNNA1-related condition. Last evaluated: 2024-03-29. Review status: no assertion criteria provided. Collection method: clinical testing. Allele origin: germline. Not counted in ClinVar's aggregate classification.
Comment: This variant is classified as likely benign based on ACMG/AMP sequence variant interpretation guidelines (Richards et al. 2015 PMID: 25741868, with internal and published modifications).

NM_001903.5(CTNNA1):c.2055G>A (p.Ala685=)

Gene: CTNNA1 (catenin alpha 1; plus strand). Cytogenetic location: 5q31.2.
Variant type: single nucleotide variant.
Coding change: c.2055G>A on transcript NM_001903.5 (MANE Select); coding-DNA position 2055, G replaced by A.
Protein change: p.Ala685=; no amino-acid change (alanine 685 retained).
Molecular consequence: synonymous variant.
Genome position (GRCh38, 1-based): chr5:138,930,517, G>A. VCF-style: chr5-138930517-G-A. GRCh37 (hg19) VCF-style: chr5-138266206-G-A.
Other names: c.2055G>A (NM_001903.4); c.2055G>A, p.Ala685= (NM_001290307.3, NM_001323982.2, NM_001323983.1 and 2 more transcripts); c.1746G>A, p.Ala582= (NM_001290309.3); c.1686G>A, p.Ala562= (NM_001290310.3); c.945G>A, p.Ala315= (NM_001290312.1, NM_001323987.1, NM_001323988.1 and 17 more transcripts); c.1962G>A, p.Ala654= (NM_001323986.2); c.606G>A, p.Ala202= (NM_001324006.1, NM_001324007.1, NM_001324008.1 and 2 more transcripts); c.852G>A, p.Ala284= (NM_001324011.1); and 1 more.
Identifiers: ClinVar variation 698229 (VCV000698229.17), dbSNP rs372902176, ClinGen allele CA3432113.
Genomic context (GRCh38, chr5:138,930,517, plus strand): 5'-GTGCTTCTGATCACAGGCGATCATGGCTCAGCTTCCCCAGGAGCAAAAAGCGAAGATTGC[G>A]GAACAGGTGGCCAGCTTCCAGGAAGAAAAGAGCAAGCTGGATGCTGAAGTGTCCAAATGG-3'
Protein context (NP_001894.2, residues 675-695): QLPQEQKAKI[Ala685=]EQVASFQEEK